The following is an entry in ClinVar:

NM_018297.4(NGLY1):c.1260+4T>C

Gene: NGLY1 (N-glycanase 1; minus strand). Cytogenetic location: 3p24.2.
Variant type: single nucleotide variant.
Coding change: c.1260+4T>C on transcript NM_018297.4 (MANE Select); 4 bases into the intron after coding-DNA position 1260, T replaced by C.
Molecular consequence: intron variant.
Genome position (GRCh38, 1-based): chr3:25,733,868, A>G on the plus strand (T>C on the coding strand, the complement: NGLY1 is on the minus strand). VCF-style: chr3-25733868-A-G. GRCh37 (hg19) VCF-style: chr3-25775359-A-G.
Other names: c.1134+4T>C (NM_001145294.2); c.1260+4T>C (NM_001145295.2); c.1206+4T>C (NM_001145293.2).
Identifiers: ClinVar variation 863885 (VCV000863885.4), dbSNP rs377612106, ClinGen allele CA2289217.

ClinVar aggregate classification (germline): Uncertain significance (1 of 4 stars; one submission).

Conditions:
Congenital disorder of deglycosylation (CDDG). Identifiers: MedGen C3808991, MONDO:0031376.

Allele frequency attached by ClinVar (database versions not stated): ExAC 0.00002; gnomAD 0.00005; ESP Exome Variant Server 0.00008; TOPMed 0.00009; gnomAD exomes 0.00001.
gnomAD v4.1: 16 of 1,608,010 alleles (0.001%); highest among the groups gnomAD compares: African/African-American, 0.02%; no homozygotes.

Submission:

Labcorp Genetics (formerly Invitae), Labcorp
Classification: Uncertain significance for Congenital disorder of deglycosylation. Last evaluated: 2022-08-10. Review status: criteria provided, single submitter. Criteria: Invitae Variant Classification Sherloc (09022015). Collection method: clinical testing. Allele origin: germline.
Comment: This sequence change falls in intron 8 of the NGLY1 gene. It does not directly change the encoded amino acid sequence of the NGLY1 protein. It affects a nucleotide within the consensus splice site. This variant is present in population databases (rs377612106, gnomAD 0.02%). This variant has not been reported in the literature in individuals affected with NGLY1-related conditions. ClinVar contains an entry for this variant (Variation ID: 863885). Variants that disrupt the consensus splice site are a relatively common cause of aberrant splicing (PMID: 17576681, 9536098). Algorithms developed to predict the effect of sequence changes on RNA splicing suggest that this variant is not likely to affect RNA splicing. In summary, the available evidence is currently insufficient to determine the role of this variant in disease. Therefore, it has been classified as a Variant of Uncertain Significance.

Literature cited by the submitters: PubMed 17576681; PubMed 9536098.